The following is an entry in ClinVar:

ClinVar aggregate classification (germline): Conflicting classifications of pathogenicity. Review status: criteria provided, conflicting classifications (1 of 4 stars). 3 submissions from 3 submitters: Uncertain significance (2); Likely benign (1). Last evaluated 2025-10-27.

Conditions:
FBXO38-related disorder. Also called: FBXO38-related condition.
Distal hereditary motor neuropathy type 2. Identifiers: Orphanet 139525, MedGen C3711384, MeSH C580044, MONDO:0015352.

Allele frequency attached by ClinVar (database versions not stated): gnomAD 0.00004; TOPMed 0.00005; 1000 Genomes Project 30x 0.00016; 1000 Genomes Project 0.00020.
gnomAD v4.1: 26 of 1,614,106 alleles (0.0016%); highest among the groups gnomAD compares: Admixed American, 0.015%; no homozygotes.

Submissions (3):

PreventionGenetics, part of Exact Sciences
Classification: Uncertain significance for FBXO38-related condition. Last evaluated: 2025-10-27. Review status: criteria provided, single submitter. Criteria: ACMG Guidelines, 2015. Collection method: clinical testing. Allele origin: germline.
Comment: The FBXO38 c.2263G>A variant is predicted to result in the amino acid substitution p.Gly755Ser. To our knowledge, this variant has not been reported in the literature. This variant is reported in 0.014% of alleles in individuals of Latino descent in gnomAD, which may be too common to be causative. Although we suspect that this variant may be benign, at this time, the clinical significance of this variant is uncertain due to the absence of conclusive functional and genetic evidence.

Labcorp Genetics (formerly Invitae), Labcorp
Classification: Uncertain significance for Distal hereditary motor neuropathy type 2. Last evaluated: 2025-08-29. Review status: criteria provided, single submitter. Criteria: Invitae Variant Classification Sherloc (09022015). Collection method: clinical testing. Allele origin: germline.
Comment: This sequence change replaces glycine, which is neutral and non-polar, with serine, which is neutral and polar, at codon 755 of the FBXO38 protein (p.Gly755Ser). This variant is present in population databases (rs201279543, gnomAD 0.02%). This variant has not been reported in the literature in individuals affected with FBXO38-related conditions. ClinVar contains an entry for this variant (Variation ID: 1788669). Invitae Evidence Modeling of protein sequence and biophysical properties (such as structural, functional, and spatial information, amino acid conservation, physicochemical variation, residue mobility, and thermodynamic stability) indicates that this missense variant is not expected to disrupt FBXO38 protein function with a negative predictive value of 80%. In summary, the available evidence is currently insufficient to determine the role of this variant in disease. Therefore, it has been classified as a Variant of Uncertain Significance.

Ambry Genetics
Classification: Likely benign. Last evaluated: 2019-12-19. Review status: criteria provided, single submitter. Criteria: Ambry Variant Classification Scheme 2023. Collection method: clinical testing. Allele origin: germline.

NM_205836.3(FBXO38):c.2263G>A (p.Gly755Ser)

Gene: FBXO38 (F-box protein 38; plus strand). Cytogenetic location: 5q32.
Variant type: single nucleotide variant.
Coding change: c.2263G>A on transcript NM_205836.3 (MANE Select); coding-DNA position 2263, G replaced by A.
Protein change: p.Gly755Ser; replaces glycine 755 with serine.
Molecular consequence: missense variant. On other transcripts: intron variant (1).
Genome position (GRCh38, 1-based): chr5:148,427,557, G>A. VCF-style: chr5-148427557-G-A. GRCh37 (hg19) VCF-style: chr5-147807120-G-A.
Other names: c.2263G>A, p.Gly755Ser (NM_030793.5); c.1918+1856G>A (NM_001271723.2); c.2263G>A (NM_030793.4); short protein forms G755S.
Identifiers: ClinVar variation 1788669 (VCV001788669.8), dbSNP rs201279543, ClinGen allele CA3497483.
Genomic context (GRCh38, chr5:148,427,557, plus strand): 5'-GGCTCTTCCGAGCCTAGCCCTACAGAAGTGGATGTGTCCAGGCAGTGTGCCTGCTCCCCC[G>A]GTGGGTCAGAGGACTCTGAGGCCATGGAGGAGGGAGATGCAGAGAGTTCTGTCTGCCCCA-3'
Protein context (NP_995308.1, residues 745-765): DVSRQCACSP[Gly755Ser]GSEDSEAMEE